The following is an entry in ClinVar:

NM_182961.4(SYNE1):c.11936G>A (p.Arg3979His)

Gene: SYNE1 (spectrin repeat containing nuclear envelope protein 1; minus strand). Cytogenetic location: 6q25.2.
Variant type: single nucleotide variant.
Coding change: c.11936G>A on transcript NM_182961.4 (MANE Select); coding-DNA position 11936, G replaced by A.
Protein change: p.Arg3979His; replaces arginine 3979 with histidine.
Molecular consequence: missense variant.
Genome position (GRCh38, 1-based): chr6:152,347,201, C>T on the plus strand (G>A on the coding strand, the complement: SYNE1 is on the minus strand). VCF-style: chr6-152347201-C-T. GRCh37 (hg19) VCF-style: chr6-152668336-C-T.
Other names: c.11723G>A, p.Arg3908His (NM_033071.5); short protein forms R3908H, R3979H.
Identifiers: ClinVar variation 198653 (VCV000198653.13), dbSNP rs142444474, ClinGen allele CA247433.

ClinVar aggregate classification (germline): Uncertain significance. Review status: criteria provided, multiple submitters, no conflicts (2 of 4 stars). 2 submissions from 2 submitters: Uncertain significance (2). Last evaluated 2022-01-03.

Conditions:
Autosomal recessive ataxia, Beauce type. Also called: SYNE1 Deficiency; Spinocerebellar ataxia, autosomal recessive 8; SYNE1-Related Autosomal Recessive Cerebellar Ataxia; ATAXIA, RECESSIVE, OF BEAUCE. Identifiers: Orphanet 88644, MedGen C1853116, MONDO:0012549, OMIM 610743.
Emery-Dreifuss muscular dystrophy 4, autosomal dominant (EDMD4). Also called: EMERY-DREIFUSS MUSCULAR DYSTROPHY 4 WITH VARIABLE FEATURES. Identifiers: Orphanet 261, MedGen C2751807, MONDO:0013071, OMIM 612998.

Allele frequency attached by ClinVar (database versions not stated): gnomAD exomes below 0.00001 and 0.00001; TOPMed 0.00006; gnomAD 0.00010; ESP Exome Variant Server 0.00015.
gnomAD v4.1: 11 of 1,614,042 alleles (0.00068%); highest among the groups gnomAD compares: African/African-American, 0.0093%; no homozygotes.

Submissions (2):

Labcorp Genetics (formerly Invitae), Labcorp
Classification: Uncertain significance for Emery-Dreifuss muscular dystrophy 4, autosomal dominant; Autosomal recessive ataxia, Beauce type. Last evaluated: 2022-01-03. Review status: criteria provided, single submitter. Criteria: Invitae Variant Classification Sherloc (09022015). Collection method: clinical testing. Allele origin: germline.
Comment: This sequence change replaces arginine, which is basic and polar, with histidine, which is basic and polar, at codon 3908 of the SYNE1 protein (p.Arg3908His). This variant is present in population databases (rs142444474, gnomAD 0.01%). This variant has not been reported in the literature in individuals affected with SYNE1-related conditions. ClinVar contains an entry for this variant (Variation ID: 198653). Algorithms developed to predict the effect of missense changes on protein structure and function (SIFT, PolyPhen-2, Align-GVGD) all suggest that this variant is likely to be tolerated. In summary, the available evidence is currently insufficient to determine the role of this variant in disease. Therefore, it has been classified as a Variant of Uncertain Significance.

Eurofins Ntd Llc (ga)
Classification: Uncertain significance. Last evaluated: 2014-12-12. Review status: criteria provided, single submitter. Criteria: EGL Classification Definitions 2015. Collection method: clinical testing. Allele origin: germline. Observed: 1 variant allele, 1 heterozygote.